The following is an entry in ClinVar:

NM_024577.4(SH3TC2):c.*3196T>C

Gene: SH3TC2 (SH3 domain and tetratricopeptide repeats 2; minus strand). Cytogenetic location: 5q32.
Variant type: single nucleotide variant.
Coding change: c.*3196T>C on transcript NM_024577.4 (MANE Select); 3196 bases downstream of the stop codon, T replaced by C.
Molecular consequence: 3 prime UTR variant.
Genome position (GRCh38, 1-based): chr5:149,001,515, A>G on the plus strand (T>C on the coding strand, the complement: SH3TC2 is on the minus strand). VCF-style: chr5-149001515-A-G. GRCh37 (hg19) VCF-style: chr5-148381078-A-G.
Identifiers: ClinVar variation 351839 (VCV000351839.8), dbSNP rs3763022, ClinGen allele CA10623314.

ClinVar aggregate classification (germline): Benign. Review status: criteria provided, multiple submitters, no conflicts (2 of 4 stars). 3 submissions from 2 submitters: Benign (3). Last evaluated 2021-05-16.

Conditions:
Susceptibility to mononeuropathy of the median nerve, mild. Also called: CARPAL TUNNEL SYNDROME, SUSCEPTIBILITY TO. Identifiers: MedGen C3150596, MONDO:0013237, OMIM 613353.
Charcot-Marie-Tooth disease type 4C (CMT4C). Also called: CHARCOT-MARIE-TOOTH DISEASE, DEMYELINATING, AUTOSOMAL RECESSIVE, TYPE 4C; CMT 4C; Charcot-Marie-Tooth Neuropathy Type 4C (CMT4C); CHARCOT-MARIE-TOOTH DISEASE, DEMYELINATING, TYPE 4C; SH3TC2-Related Hereditary Motor and Sensory Neuropathy. Identifiers: Orphanet 99949, MedGen C1866636, MONDO:0011113, OMIM 601596.

Allele frequency attached by ClinVar (database versions not stated): gnomAD 0.33999 and 0.34686; 1000 Genomes Project 0.34964; 1000 Genomes Project 30x 0.35728; TOPMed 0.36107.

Submissions (3):

GeneDx
Classification: Benign. Last evaluated: 2021-05-16. Review status: criteria provided, single submitter. Criteria: GeneDx Variant Classification Process June 2021. Collection method: clinical testing. Allele origin: germline. Affected: yes.

Illumina Laboratory Services, Illumina
Classification: Benign for Charcot-Marie-Tooth disease type 4C. Last evaluated: 2018-01-13. Review status: criteria provided, single submitter. Criteria: ICSL Variant Classification Criteria 13 December 2019. Collection method: clinical testing. Allele origin: germline.
Comment: This variant was observed in the ICSL laboratory as part of a predisposition screen in an ostensibly healthy population. It had not been previously curated by ICSL or reported in the Human Gene Mutation Database (HGMD: prior to June 1st, 2018), and was therefore a candidate for classification through an automated scoring system. Utilizing variant allele frequency, disease prevalence and penetrance estimates, and inheritance mode, an automated score was calculated to assess if this variant is too frequent to cause the disease. Based on the score and internal cut-off values, a variant classified as benign is not then subjected to further curation. The score for this variant resulted in a classification of benign for this disease.

Illumina Laboratory Services, Illumina
Classification: Benign for Susceptibility to mononeuropathy of the median nerve, mild. Last evaluated: 2018-01-13. Review status: criteria provided, single submitter. Criteria: ICSL Variant Classification Criteria 13 December 2019. Collection method: clinical testing. Allele origin: germline.
Comment: the same text as in the submission from Illumina Laboratory Services, Illumina above.